The following is an entry in ClinVar:

ClinVar aggregate classification (germline): Likely pathogenic. Review status: criteria provided, single submitter (1 of 4 stars). 2 submissions from 2 submitters: Likely pathogenic (1). 1 of the submissions does not count toward it. Last evaluated 2019-02-01.

Conditions:
Thrombocytopenia 2 (THC2). Also called: ANKRD26-Related Thrombocytopenia. Identifiers: Orphanet 268322, MedGen C1861185, MONDO:0008555, OMIM 188000.
Thrombocytopenia. Identifiers: MedGen C0040034, MeSH D013921, MONDO:0002049, HP:0001873.

Submissions (2):

NIHR Bioresource Rare Diseases, University of Cambridge
Classification: Likely pathogenic for Thrombocytopenia. Last evaluated: 2019-02-01. Review status: criteria provided, single submitter. Criteria: ACMG Guidelines, 2015. Collection method: research. Allele origin: unknown. Affected: yes. Observed: 2 heterozygotes. Study: ThromboGenomics.

ISTH-SSC Genomics in Thrombosis and Hemostasis, KU Leuven, Center for Molecular and Vascular Biology
Classification: Likely pathogenic for Thrombocytopenia 2. Review status: no assertion criteria provided. Collection method: research. Allele origin: unknown. Affected: yes. Not counted in ClinVar's aggregate classification.
Comment: Submitted to GoldVariant by Dr Karyn Mégy from NIHR Bioresource - Cambridge University, UK

Literature cited by the submitters: PubMed 31064749 (cited by NIHR Bioresource Rare Diseases, University of Cambridge).

NM_014915.3(ANKRD26):c.-128G>C

Gene: ANKRD26 (ankyrin repeat domain 26; minus strand). Cytogenetic location: 10p12.1.
Variant type: single nucleotide variant.
Coding change: c.-128G>C on transcript NM_014915.3 (MANE Select); 128 bases upstream of the start codon, G replaced by C.
Molecular consequence: 5 prime UTR variant.
Genome position (GRCh38, 1-based): chr10:27,100,454, C>G on the plus strand (G>C on the coding strand, the complement: ANKRD26 is on the minus strand). VCF-style: chr10-27100454-C-G. GRCh37 (hg19) VCF-style: chr10-27389383-C-G.
Other names: c.-128G>C (NM_001256053.2).
Identifiers: ClinVar variation 626920 (VCV000626920.3), dbSNP rs1589393809, ClinGen allele CA913185917.